The following is an entry in ClinVar:

ClinVar aggregate classification (germline): Likely pathogenic (1 of 4 stars; one submission).

Submission:

GeneDx
Classification: Likely pathogenic. Last evaluated: 2023-02-21. Review status: criteria provided, single submitter. Criteria: GeneDx Variant Classification Process June 2021. Collection method: clinical testing. Allele origin: germline. Affected: yes.
Comment: Not observed at significant frequency in large population cohorts (gnomAD); In silico analysis supports that this missense variant has a deleterious effect on protein structure/function; Has not been previously published as pathogenic or benign to our knowledge

NM_001370100.5(ZMYND11):c.1796G>A (p.Arg599His)

Gene: ZMYND11 (zinc finger MYND-type containing 11; plus strand). Cytogenetic location: 10p15.3.
Variant type: single nucleotide variant.
Coding change: c.1796G>A on transcript NM_001370100.5 (MANE Select); coding-DNA position 1796, G replaced by A.
Protein change: p.Arg599His; replaces arginine 599 with histidine.
Molecular consequence: missense variant. On other transcripts: non-coding transcript variant (1).
Genome position (GRCh38, 1-based): chr10:252,457, G>A. VCF-style: chr10-252457-G-A. GRCh37 (hg19) VCF-style: chr10-298397-G-A.
Other names: c.1796G>A, p.Arg599His (NM_001161482.1, NM_001370097.3, NM_001370098.2 and 4 more transcripts); c.1634G>A, p.Arg545His (NM_001202464.3, NM_001370103.2, NM_001370104.2 and 5 more transcripts); c.1541G>A, p.Arg514His (NM_001202465.3, NM_001370110.2); c.1631G>A, p.Arg544His (NM_001202466.3, NM_001370111.2); c.1745G>A, p.Arg582His (NM_001330057.3, NM_001370112.2); c.1703G>A, p.Arg568His (NM_001370113.2, NM_001370114.2); c.1793G>A, p.Arg598His (NM_001370115.2); c.1730G>A, p.Arg577His (NM_001370116.2); and 8 more; short protein forms R442H, R480H, R497H, R505H, R514H, R523H, R544H, R545H.
Identifiers: ClinVar variation 2430631 (VCV002430631.1), dbSNP rs2540123213, ClinGen allele CA375824709.
Genomic context (GRCh38, chr10:252,457, plus strand): 5'-CCTACTGCTCCATCAAGTGCCAGCAGGAGCACTGGCACGCGGAGCACAAGCGCACCTGCC[G>A]CCGGAAAAGATGAAGCTGGCCCTTCCCGGAGTCACCCCGATGATTACTCTTTTCAGACAC-3'
Protein context (NP_001357029.1, residues 589-602): HWHAEHKRTC[Arg599His]RKR